The following is an entry in ClinVar:

ClinVar aggregate classification (germline): Benign/Likely benign. Review status: criteria provided, multiple submitters, no conflicts (2 of 4 stars). 11 submissions from 11 submitters: Benign (8); Likely benign (1). 2 of the submissions do not count toward it. Last evaluated 2026-04-20.

Conditions:
Combined immunodeficiency due to DOCK8 deficiency (HIES2). Also called: Hyper-IgE recurrent infection syndrome, autosomal recessive; HYPER-IgE RECURRENT INFECTION SYNDROME 2, AUTOSOMAL RECESSIVE; DOCK8 Deficiency; HIES autosomal recessive; HYPER-IgE SYNDROME 2, AUTOSOMAL RECESSIVE, WITH RECURRENT INFECTIONS. Identifiers: Orphanet 217390, MedGen C4722305, MONDO:0009478, OMIM 243700.

Allele frequency attached by ClinVar (database versions not stated): gnomAD 0.00985 and 0.00937; ESP Exome Variant Server 0.01000; TOPMed 0.01051; 1000 Genomes Project 30x 0.01109; gnomAD exomes 0.00450; ExAC 0.00475; 1000 Genomes Project 0.00938.
gnomAD v4.1: 5,477 of 1,613,434 alleles (0.34%); highest among the groups gnomAD compares: African/African-American, 2.7%; 46 homozygotes.

Submissions (11):

Women's Health and Genetics/Laboratory Corporation of America, LabCorp
Classification: Benign. Last evaluated: 2026-04-20. Review status: criteria provided, single submitter. Criteria: LabCorp Variant Classification Summary - May 2015. Collection method: clinical testing. Allele origin: germline.

Labcorp Genetics (formerly Invitae), Labcorp
Classification: Benign for Combined immunodeficiency due to DOCK8 deficiency. Last evaluated: 2026-02-03. Review status: criteria provided, single submitter. Criteria: Invitae Variant Classification Sherloc (09022015). Collection method: clinical testing. Allele origin: germline.

Blueprint Genetics
Classification: Likely benign. Last evaluated: 2024-11-20. Review status: criteria provided, single submitter. Criteria: ACMG Guidelines, 2015. Collection method: clinical testing. Allele origin: germline.

Mayo Clinic Laboratories, Mayo Clinic
Classification: Benign. Last evaluated: 2024-07-09. Review status: criteria provided, single submitter. Criteria: ACMG Guidelines, 2015. Collection method: clinical testing. Allele origin: germline. Observed: 12 variant alleles.
Comment: BS1, BS2, BP4, BP7

Genetic Services Laboratory, University of Chicago
Classification: Benign. Last evaluated: 2019-05-08. Review status: criteria provided, single submitter. Criteria: ACMG Guidelines, 2015. Collection method: clinical testing. Allele origin: germline. Affected: no.

Illumina Laboratory Services, Illumina
Classification: Benign for Combined immunodeficiency due to DOCK8 deficiency. Last evaluated: 2018-01-13. Review status: criteria provided, single submitter. Criteria: ICSL Variant Classification Criteria 13 December 2019. Collection method: clinical testing. Allele origin: germline.
Comment: This variant was observed in the ICSL laboratory as part of a predisposition screen in an ostensibly healthy population. It had not been previously curated by ICSL or reported in the Human Gene Mutation Database (HGMD: prior to June 1st, 2018), and was therefore a candidate for classification through an automated scoring system. Utilizing variant allele frequency, disease prevalence and penetrance estimates, and inheritance mode, an automated score was calculated to assess if this variant is too frequent to cause the disease. Based on the score and internal cut-off values, a variant classified as benign is not then subjected to further curation. The score for this variant resulted in a classification of benign for this disease.

GeneDx
Classification: Benign. Last evaluated: 2014-02-26. Review status: criteria provided, single submitter. Criteria: GeneDx Variant Classification (06012015). Collection method: clinical testing. Allele origin: germline. Affected: yes.
Comment: This variant is considered likely benign or benign based on one or more of the following criteria: it is a conservative change, it occurs at a poorly conserved position in the protein, it is predicted to be benign by multiple in silico algorithms, and/or has population frequency not consistent with disease.

Laboratory for Molecular Medicine, Mass General Brigham Personalized Medicine
Classification: Benign. Last evaluated: 2013-02-21. Review status: criteria provided, single submitter. Criteria: LMM Criteria. Collection method: clinical testing. Allele origin: germline. Observed: 1 variant allele.
Comment: Glu1737Glu in exon 40 of DOCK8: This variant is not expected to have clinical si gnificance because it does not alter an amino acid residue and is not located wi thin the splice consensus sequence. It has been identified in 2.5% (111/4406) of African American chromosomes from a broad population by the NHLBI Exome Sequenc ing Project (dbSNP rs34098809).

Breakthrough Genomics
Classification: Benign. Review status: criteria provided, single submitter. Criteria: ACMG Guidelines, 2015. Collection method: not provided. Allele origin: germline. Inheritance: Autosomal recessive inheritance. Affected: yes.

Clinical Genetics DNA and cytogenetics Diagnostics Lab, Erasmus MC, Erasmus Medical Center
Classification: Benign. Review status: no assertion criteria provided. Collection method: clinical testing. Allele origin: germline. Affected: yes. Study: VKGL Data-share Consensus. Not counted in ClinVar's aggregate classification.

Genome Diagnostics Laboratory, University Medical Center Utrecht
Classification: Benign. Review status: no assertion criteria provided. Collection method: clinical testing. Allele origin: germline. Affected: yes. Study: VKGL Data-share Consensus. Not counted in ClinVar's aggregate classification.

NM_203447.4(DOCK8):c.5211G>A (p.Glu1737=)

Gene: DOCK8 (dedicator of cytokinesis 8; plus strand). Cytogenetic location: 9p24.3.
Variant type: single nucleotide variant.
Coding change: c.5211G>A on transcript NM_203447.4 (MANE Select); coding-DNA position 5211, G replaced by A.
Protein change: p.Glu1737=; no amino-acid change (glutamic acid 1737 retained).
Molecular consequence: synonymous variant.
Genome position (GRCh38, 1-based): chr9:439,376, G>A. VCF-style: chr9-439376-G-A. GRCh37 (hg19) VCF-style: chr9-439376-G-A.
Other names: p.E1669E:GAG>GAA; p.Glu1737=; c.4911G>A, p.Glu1637= (NM_001190458.2); c.5007G>A, p.Glu1669= (NM_001193536.2).
Identifiers: ClinVar variation 137150 (VCV000137150.28), dbSNP rs34098809, ClinGen allele CA290683.